The following is an entry in ClinVar:

NM_001005373.4(LRSAM1):c.1939G>A (p.Val647Ile)

Gene: LRSAM1 (leucine rich repeat and sterile alpha motif containing 1; plus strand). Cytogenetic location: 9q34.11.
Variant type: single nucleotide variant.
Coding change: c.1939G>A on transcript NM_001005373.4 (MANE Select); coding-DNA position 1939, G replaced by A.
Protein change: p.Val647Ile; replaces valine 647 with isoleucine.
Molecular consequence: missense variant. On other transcripts: non-coding transcript variant (2).
Genome position (GRCh38, 1-based): chr9:127,501,036, G>A. VCF-style: chr9-127501036-G-A. GRCh37 (hg19) VCF-style: chr9-130263315-G-A.
Other names: c.1939G>A (NM_138361.4); c.1939G>A, p.Val647Ile (NM_001005374.4, NM_001384142.1, NM_138361.5); c.1858G>A, p.Val620Ile (NM_001190723.3); c.1840G>A, p.Val614Ile (NM_001384143.1); c.1150G>A, p.Val384Ile (NM_001384144.1); short protein forms V647I, V620I, V384I, V614I.
Identifiers: ClinVar variation 246595 (VCV000246595.12), dbSNP rs879254326, ClinGen allele CA10584299.

ClinVar aggregate classification (germline): Uncertain significance. Review status: criteria provided, multiple submitters, no conflicts (2 of 4 stars). 3 submissions from 3 submitters: Uncertain significance (3). Last evaluated 2025-03-03.

Conditions:
Inborn genetic diseases. Identifiers: MedGen C0950123, MeSH D030342.
Charcot-Marie-Tooth disease axonal type 2P. Also called: CHARCOT-MARIE-TOOTH NEUROPATHY, TYPE 2P; Charcot-Marie-Tooth Neuropathy Type 2G; CHARCOT-MARIE-TOOTH DISEASE, AXONAL, TYPE 2G; CMT 2G. Identifiers: Orphanet 300319, Orphanet 99941, MedGen C3280797, MONDO:0013753, OMIM 614436.

Allele frequency attached by ClinVar (database versions not stated): gnomAD exomes 0.00001; TOPMed 0.00002; gnomAD 0.00003.
gnomAD v4.1: 9 of 1,613,938 alleles (0.00056%); highest among the groups gnomAD compares: Middle Eastern, 0.016%; no homozygotes.

Submissions (3):

Labcorp Genetics (formerly Invitae), Labcorp
Classification: Uncertain significance for Charcot-Marie-Tooth disease axonal type 2P. Last evaluated: 2025-03-03. Review status: criteria provided, single submitter. Criteria: Invitae Variant Classification Sherloc (09022015). Collection method: clinical testing. Allele origin: germline.
Comment: This sequence change replaces valine, which is neutral and non-polar, with isoleucine, which is neutral and non-polar, at codon 647 of the LRSAM1 protein (p.Val647Ile). This variant is present in population databases (no rsID available, gnomAD 0.004%). This variant has not been reported in the literature in individuals affected with LRSAM1-related conditions. ClinVar contains an entry for this variant (Variation ID: 246595). Invitae Evidence Modeling of protein sequence and biophysical properties (such as structural, functional, and spatial information, amino acid conservation, physicochemical variation, residue mobility, and thermodynamic stability) indicates that this missense variant is not expected to disrupt LRSAM1 protein function with a negative predictive value of 80%. In summary, the available evidence is currently insufficient to determine the role of this variant in disease. Therefore, it has been classified as a Variant of Uncertain Significance.

GeneDx
Classification: Uncertain significance. Last evaluated: 2022-07-19. Review status: criteria provided, single submitter. Criteria: GeneDx Variant Classification Process June 2021. Collection method: clinical testing. Allele origin: germline. Affected: yes.
Comment: Not observed at significant frequency in large population cohorts (gnomAD); In silico analysis supports that this missense variant does not alter protein structure/function; Has not been previously published as pathogenic or benign to our knowledge

Ambry Genetics
Classification: Uncertain significance for Inborn genetic diseases. Last evaluated: 2021-09-07. Review status: criteria provided, single submitter. Criteria: Ambry Variant Classification Scheme 2023. Collection method: clinical testing. Allele origin: germline.
Comment: The p.V647I variant (also known as c.1939G>A), located in coding exon 23 of the LRSAM1 gene, results from a G to A substitution at nucleotide position 1939. The valine at codon 647 is replaced by isoleucine, an amino acid with highly similar properties. This amino acid position is poorly conserved in available vertebrate species. In addition, this alteration is predicted to be tolerated by in silico analysis. Since supporting evidence is limited at this time, the clinical significance of this alteration remains unclear.